The following is an entry in ClinVar:

NM_001042492.3(NF1):c.4256T>A (p.Val1419Asp)

Gene: NF1 (neurofibromin 1; plus strand). Cytogenetic location: 17q11.2.
Variant type: single nucleotide variant.
Coding change: c.4256T>A on transcript NM_001042492.3 (MANE Select); coding-DNA position 4256, T replaced by A.
Protein change: p.Val1419Asp; replaces valine 1419 with aspartic acid.
Molecular consequence: missense variant.
Genome position (GRCh38, 1-based): chr17:31,258,426, T>A. VCF-style: chr17-31258426-T-A. GRCh37 (hg19) VCF-style: chr17-29585444-T-A.
Other names: c.4193T>A, p.Val1398Asp (NM_000267.4); short protein forms V1419D, V1398D.
Identifiers: ClinVar variation 527578 (VCV000527578.10), dbSNP rs1555618528, ClinGen allele CA398997914.

ClinVar aggregate classification (germline): Likely pathogenic. Review status: criteria provided, multiple submitters, no conflicts (2 of 4 stars). 3 submissions from 3 submitters: Likely pathogenic (3). Last evaluated 2025-07-20.

Conditions:
Neurofibromatosis, type 1 (NF1). Also called: Peripheral type neurofibromatosis; NEUROFIBROMATOSIS, TYPE I, SOMATIC; Neurofibromatosis, type I; VON RECKLINGHAUSEN DISEASE. Identifiers: Orphanet 636, MedGen C0027831, MONDO:0018975, OMIM 162200. Disease mechanism: loss of function.
NF1-related disorder. Also called: NF1-related condition. Identifiers: MedGen CN379171.

Submissions (3):

Labcorp Genetics (formerly Invitae), Labcorp
Classification: Likely pathogenic for Neurofibromatosis, type 1. Last evaluated: 2025-07-20. Review status: criteria provided, single submitter. Criteria: Invitae Variant Classification Sherloc (09022015). Collection method: clinical testing. Allele origin: germline.
Comment: This sequence change replaces valine, which is neutral and non-polar, with aspartic acid, which is acidic and polar, at codon 1398 of the NF1 protein (p.Val1398Asp). This variant is not present in population databases (gnomAD no frequency). This missense change has been observed in individual(s) with clinical features of neurofibromatosis type 1 (PMID: 22807134, 31776437). ClinVar contains an entry for this variant (Variation ID: 527578). Invitae Evidence Modeling of protein sequence and biophysical properties (such as structural, functional, and spatial information, amino acid conservation, physicochemical variation, residue mobility, and thermodynamic stability) indicates that this missense variant is expected to disrupt NF1 protein function with a positive predictive value of 95%. Experimental studies have shown that this missense change affects NF1 function (PMID: 22807134). In summary, the currently available evidence indicates that the variant is pathogenic, but additional data are needed to prove that conclusively. Therefore, this variant has been classified as Likely Pathogenic.

Blueprint Genetics
Classification: Likely pathogenic for NF1-related disorders. Last evaluated: 2024-09-24. Review status: criteria provided, single submitter. Criteria: ACMG Guidelines, 2015. Collection method: clinical testing. Allele origin: germline. Affected: yes. Observed: 1 variant allele.

Neuberg Centre For Genomic Medicine, NCGM
Classification: Likely pathogenic for Neurofibromatosis, type 1. Review status: criteria provided, single submitter. Criteria: ACMG Guidelines, 2015. Collection method: clinical testing. Allele origin: germline. Inheritance: Autosomal dominant inheritance. Affected: yes.
Comment: The NF1 c.4256T>A variant has been reported in individual affected with neurofibromatosis type I (Thomas et. al., 2012). Advanced modeling of protein sequence and biophysical properties (such as structural, functional, and spatial information, amino acid conservation, physicochemical variation, residue mobility, and thermodynamic stability) performed at Invitae laboratory indicates that this missense variant is expected to disrupt NF1 protein function. In summary, the currently available evidence indicates that the variant is pathogenic, but additional data are needed to prove that conclusively. The p.Val1419Asp variant is novel (not in any individuals) in gnomAD Exomes and 1000 Genomes. This variant has been reported to the ClinVar database as Likely Pathogenic. The amino acid change p.Val1419Asp in NF1 is predicted as conserved by GERP++ and PhyloP across 100 vertebrates. The amino acid Val at position 1419 is changed to a Asp changing protein sequence and it might alter its composition and physico-chemical properties. Therefore, this variant has been classified as Likely Pathogenic.

Literature cited by the submitters: PubMed 22807134 (cited by Labcorp Genetics (formerly Invitae), Labcorp); PubMed 31776437 (cited by Labcorp Genetics (formerly Invitae), Labcorp).